The following is an entry in ClinVar:

NM_022765.4(MICAL1):c.2525G>A (p.Arg842His)

Gene: MICAL1 (microtubule associated monooxygenase, calponin and LIM domain containing 1; minus strand). Cytogenetic location: 6q21.
Variant type: single nucleotide variant.
Coding change: c.2525G>A on transcript NM_022765.4 (MANE Select); coding-DNA position 2525, G replaced by A.
Protein change: p.Arg842His; replaces arginine 842 with histidine.
Molecular consequence: missense variant.
Genome position (GRCh38, 1-based): chr6:109,446,192, C>T on the plus strand (G>A on the coding strand, the complement: MICAL1 is on the minus strand). VCF-style: chr6-109446192-C-T. GRCh37 (hg19) VCF-style: chr6-109767395-C-T.
Other names: c.2267G>A, p.Arg756His (NM_001159291.2); c.2582G>A, p.Arg861His (NM_001286613.2); short protein forms R756H, R842H, R861H.
Identifiers: ClinVar variation 2413778 (VCV002413778.6), dbSNP rs375851373, ClinGen allele CA3952867.
Genomic context (GRCh38, chr6:109,446,192, plus strand): 5'-TTACCTTGAGGGCTCTGGACTGGCAGGCCCCAGCCCACAAAGCTGCTCTCCAGGGCGTGG[C>T]GGGCCAAGGCGGAGCAGCTGCGGGGAGGCTTGGGTGGAGGCTCCATTTCCGGGTCAGGGG-3'
Protein context (NP_073602.3, residues 832-852): KPPRSCSALA[Arg842His]HALESSFVGW

ClinVar aggregate classification (germline): Uncertain significance (1 of 4 stars; one submission).

Allele frequency attached by ClinVar (database versions not stated): gnomAD 0.00003; TOPMed 0.00003; ExAC 0.00005; ESP Exome Variant Server 0.00008; 1000 Genomes Project 30x 0.00016; 1000 Genomes Project 0.00020.
gnomAD v4.1: 42 of 1,586,930 alleles (0.0026%); highest among the groups gnomAD compares: South Asian, 0.011%; no homozygotes.

Submission:

Labcorp Genetics (formerly Invitae), Labcorp
Classification: Uncertain significance. Last evaluated: 2024-03-01. Review status: criteria provided, single submitter. Criteria: Invitae Variant Classification Sherloc (09022015). Collection method: clinical testing. Allele origin: germline.
Comment: This sequence change replaces arginine, which is basic and polar, with histidine, which is basic and polar, at codon 861 of the MICAL1 protein (p.Arg861His). This variant is present in population databases (rs375851373, gnomAD 0.05%). This variant has not been reported in the literature in individuals affected with MICAL1-related conditions. ClinVar contains an entry for this variant (Variation ID: 2413778). Algorithms developed to predict the effect of missense changes on protein structure and function output the following: SIFT: "Not Available"; PolyPhen-2: "Benign"; Align-GVGD: "Not Available". The histidine amino acid residue is found in multiple mammalian species, which suggests that this missense change does not adversely affect protein function. In summary, the available evidence is currently insufficient to determine the role of this variant in disease. Therefore, it has been classified as a Variant of Uncertain Significance.